The following is an entry in ClinVar:

ClinVar aggregate classification (germline): Pathogenic (1 of 4 stars; one submission).

Conditions:
Autosomal recessive limb-girdle muscular dystrophy type 2A (LGMDR1). Also called: Limb-girdle muscular dystrophy, type 2A; Calpainopathy; Muscular dystrophy, limb-girdle, type 2A, Amish; LEYDEN-MOEBIUS MUSCULAR DYSTROPHY; MUSCULAR DYSTROPHY, PELVOFEMORAL. Identifiers: Orphanet 267, MedGen C1869123, MONDO:0009675, OMIM 253600. Disease mechanism: loss of function.

Submission:

Labcorp Genetics (formerly Invitae), Labcorp
Classification: Pathogenic for Autosomal recessive limb-girdle muscular dystrophy type 2A. Last evaluated: 2022-08-24. Review status: criteria provided, single submitter. Criteria: Invitae Variant Classification Sherloc (09022015). Collection method: clinical testing. Allele origin: germline.
Comment: This variant is a gross deletion of the genomic region encompassing exon(s) 1-14 of the CAPN3 gene, which includes the initiator codon. This deletion extends beyond the assayed region for this gene and therefore may encompass additional genes. It is expected to result in an absent or disrupted protein product. Loss-of-function variants in CAPN3 are known to be pathogenic (PMID: 10330340, 15689361). For these reasons, this variant has been classified as Pathogenic. This variant has not been reported in the literature in individuals affected with CAPN3-related conditions.

Literature cited by the submitters: PubMed 10330340; PubMed 15689361.

NC_000015.9:g.(?_42651994)_(42695985_?)del

Gene: CAPN3 (calpain 3; plus strand). Cytogenetic location: 15q15.1.
Variant type: Deletion.
Identifiers: ClinVar variation 2422294 (VCV002422294.6).